The following is an entry in ClinVar:

NM_000036.3(AMPD1):c.40G>A (p.Asp14Asn)

Gene: AMPD1 (adenosine monophosphate deaminase 1; minus strand). Cytogenetic location: 1p13.2.
Variant type: single nucleotide variant.
Coding change: c.40G>A on transcript NM_000036.3 (MANE Select); coding-DNA position 40, G replaced by A.
Protein change: p.Asp14Asn; replaces aspartic acid 14 with asparagine.
Molecular consequence: missense variant.
Genome position (GRCh38, 1-based): chr1:114,688,736, C>T on the plus strand (G>A on the coding strand, the complement: AMPD1 is on the minus strand). VCF-style: chr1-114688736-C-T. GRCh37 (hg19) VCF-style: chr1-115231357-C-T.
Other names: c.139G>A (NM_000036.2); c.28G>A, p.Asp10Asn (NM_001172626.2); short protein forms D14N, D10N.
Identifiers: ClinVar variation 1017444 (VCV001017444.10), dbSNP rs866261066, ClinGen allele CA29028895.
Genomic context (GRCh38, chr1:114,688,736, plus strand): 5'-CTCCTTCATCTTTGACTTCAGAGGCAAACACTTTTTCAGCAAAGTTGCGCATTGCATCAT[C>T]AATTTCTAAAAGAGGTTTTCACATATTAGTGTTCAAGCCCCTTTTCAAAAGTCAGCTGAG-3'
Protein context (NP_000027.3, residues 4-24): FKLPAEEKQI[Asp14Asn]DAMRNFAEKV

ClinVar aggregate classification (germline): Uncertain significance. Review status: criteria provided, multiple submitters, no conflicts (2 of 4 stars). 3 submissions from 3 submitters: Uncertain significance (3). Last evaluated 2025-10-02.

Conditions:
Inborn genetic diseases. Identifiers: MedGen C0950123, MeSH D030342.
Muscle AMP deaminase deficiency (MMDD). Also called: AMPD1 DEFICIENCY; Myoadenylate deaminase deficiency, myopathy due to; Adenosine monophosphate deaminase 1 deficiency; AMP deaminase 1 deficiency; Adenosine Monophosphate Deaminase 1; ADENOSINE MONOPHOSPHATE DEAMINASE-1 DEFICIENCY, MYOPATHY DUE TO. Identifiers: Orphanet 45, MedGen C3714933, MONDO:0014220, OMIM 615511.

Allele frequency attached by ClinVar (database versions not stated): gnomAD 0.00001 and 0.00002; gnomAD exomes 0.00001; TOPMed 0.00001.
gnomAD v4.1: 20 of 1,614,200 alleles (0.0012%); highest among the groups gnomAD compares: Middle Eastern, 0.099%; 2 homozygotes.

Submissions (3):

Labcorp Genetics (formerly Invitae), Labcorp
Classification: Uncertain significance for Muscle AMP deaminase deficiency. Last evaluated: 2025-10-02. Review status: criteria provided, single submitter. Criteria: Invitae Variant Classification Sherloc (09022015). Collection method: clinical testing. Allele origin: germline.
Comment: This sequence change replaces aspartic acid, which is acidic and polar, with asparagine, which is neutral and polar, at codon 47 of the AMPD1 protein (p.Asp47Asn). This variant is present in population databases (no rsID available, gnomAD 0.0009%). This variant has not been reported in the literature in individuals affected with AMPD1-related conditions. ClinVar contains an entry for this variant (Variation ID: 1017444). An algorithm developed to predict the effect of missense changes on protein structure and function (PolyPhen-2) suggests that this variant is likely to be tolerated. In summary, the available evidence is currently insufficient to determine the role of this variant in disease. Therefore, it has been classified as a Variant of Uncertain Significance.

Ambry Genetics
Classification: Uncertain significance for Inborn genetic diseases. Last evaluated: 2024-12-10. Review status: criteria provided, single submitter. Criteria: Ambry Variant Classification Scheme 2023. Collection method: clinical testing. Allele origin: germline.

Revvity Omics, Revvity
Classification: Uncertain significance for Muscle AMP deaminase deficiency. Last evaluated: 2019-05-09. Review status: criteria provided, single submitter. Criteria: ACMG Guidelines, 2015. Collection method: clinical testing. Allele origin: germline.